The following is an entry in ClinVar:

NM_001963.6(EGF):c.1231G>C (p.Asp411His)

Gene: EGF (epidermal growth factor; plus strand). Cytogenetic location: 4q25.
Variant type: single nucleotide variant.
Coding change: c.1231G>C on transcript NM_001963.6 (MANE Select); coding-DNA position 1231, G replaced by C.
Protein change: p.Asp411His; replaces aspartic acid 411 with histidine.
Molecular consequence: missense variant.
Genome position (GRCh38, 1-based): chr4:109,961,904, G>C. VCF-style: chr4-109961904-G-C. GRCh37 (hg19) VCF-style: chr4-110883060-G-C.
Other names: c.1231G>C, p.Asp411His (NM_001178130.3); c.1105G>C, p.Asp369His (NM_001178131.3, NM_001357021.2); short protein forms D369H, D411H.
Identifiers: ClinVar variation 2851409 (VCV002851409.3), dbSNP rs2126060742, ClinGen allele CA357880875.

ClinVar aggregate classification (germline): Uncertain significance (1 of 4 stars; one submission).

Submission:

Labcorp Genetics (formerly Invitae), Labcorp
Classification: Uncertain significance. Last evaluated: 2024-04-30. Review status: criteria provided, single submitter. Criteria: Invitae Variant Classification Sherloc (09022015). Collection method: clinical testing. Allele origin: germline.
Comment: This sequence change replaces aspartic acid, which is acidic and polar, with histidine, which is basic and polar, at codon 411 of the EGF protein (p.Asp411His). This variant is not present in population databases (gnomAD no frequency). This variant has not been reported in the literature in individuals affected with EGF-related conditions. An algorithm developed to predict the effect of missense changes on protein structure and function (PolyPhen-2) suggests that this variant is likely to be disruptive. In summary, the available evidence is currently insufficient to determine the role of this variant in disease. Therefore, it has been classified as a Variant of Uncertain Significance.